The following is an entry in ClinVar:

ClinVar aggregate classification (germline): Uncertain significance (1 of 4 stars; one submission).

Allele frequency attached by ClinVar (database versions not stated): gnomAD exomes below 0.00001 and 0.00001; TOPMed below 0.00001; ExAC 0.00002.

Submission:

Labcorp Genetics (formerly Invitae), Labcorp
Classification: Uncertain significance. Last evaluated: 2024-10-16. Review status: criteria provided, single submitter. Criteria: Invitae Variant Classification Sherloc (09022015). Collection method: clinical testing. Allele origin: germline.
Comment: This sequence change replaces aspartic acid, which is acidic and polar, with asparagine, which is neutral and polar, at codon 385 of the CSF2RB protein (p.Asp385Asn). The frequency data for this variant in the population databases is considered unreliable, as metrics indicate poor data quality at this position in the gnomAD database. This variant has not been reported in the literature in individuals affected with CSF2RB-related conditions. ClinVar contains an entry for this variant (Variation ID: 1478172). An algorithm developed to predict the effect of missense changes on protein structure and function (PolyPhen-2) suggests that this variant is likely to be tolerated. Algorithms developed to predict the effect of sequence changes on RNA splicing suggest that this variant may disrupt the consensus splice site. In summary, the available evidence is currently insufficient to determine the role of this variant in disease. Therefore, it has been classified as a Variant of Uncertain Significance.

NM_000395.3(CSF2RB):c.1153G>A (p.Asp385Asn)

Gene: CSF2RB (colony stimulating factor 2 receptor subunit beta; plus strand). Cytogenetic location: 22q12.3.
Variant type: single nucleotide variant.
Coding change: c.1153G>A on transcript NM_000395.3 (MANE Select); coding-DNA position 1153, G replaced by A.
Protein change: p.Asp385Asn; replaces aspartic acid 385 with asparagine.
Molecular consequence: missense variant.
Genome position (GRCh38, 1-based): chr22:36,933,832, G>A. VCF-style: chr22-36933832-G-A. GRCh37 (hg19) VCF-style: chr22-37329874-G-A.
Other names: short protein forms D385N.
Identifiers: ClinVar variation 1478172 (VCV001478172.8), dbSNP rs774353624, ClinGen allele CA10213739.